The following is an entry in ClinVar:

NM_001190274.2(FBXO11):c.887C>G (p.Thr296Ser)

Gene: FBXO11 (F-box protein 11; minus strand). Cytogenetic location: 2p16.3.
Variant type: single nucleotide variant.
Coding change: c.887C>G on transcript NM_001190274.2 (MANE Select); coding-DNA position 887, C replaced by G.
Protein change: p.Thr296Ser; replaces threonine 296 with serine.
Molecular consequence: missense variant.
Genome position (GRCh38, 1-based): chr2:47,834,626, G>C on the plus strand (C>G on the coding strand, the complement: FBXO11 is on the minus strand). VCF-style: chr2-47834626-G-C. GRCh37 (hg19) VCF-style: chr2-48061765-G-C.
Other names: c.635C>G, p.Thr212Ser (NM_001374325.1, NM_025133.4); short protein forms T296S, T212S.
Identifiers: ClinVar variation 2710820 (VCV002710820.3), dbSNP rs2531209799, ClinGen allele CA346811721.

ClinVar aggregate classification (germline): Uncertain significance (1 of 4 stars; one submission).

Allele frequency attached by ClinVar (database versions not stated): gnomAD exomes below 0.00001.
gnomAD v4.1: 1 of 1,605,578 alleles (0.000062%); highest among the groups gnomAD compares: Non-Finnish European, 0.000085%; no homozygotes.

Submission:

Labcorp Genetics (formerly Invitae), Labcorp
Classification: Uncertain significance. Last evaluated: 2024-01-23. Review status: criteria provided, single submitter. Criteria: Invitae Variant Classification Sherloc (09022015). Collection method: clinical testing. Allele origin: germline.
Comment: This sequence change replaces threonine, which is neutral and polar, with serine, which is neutral and polar, at codon 296 of the FBXO11 protein (p.Thr296Ser). This variant is not present in population databases (gnomAD no frequency). This variant has not been reported in the literature in individuals affected with FBXO11-related conditions. An algorithm developed to predict the effect of missense changes on protein structure and function (PolyPhen-2) suggests that this variant is likely to be tolerated. In summary, the available evidence is currently insufficient to determine the role of this variant in disease. Therefore, it has been classified as a Variant of Uncertain Significance.